The following is an entry in ClinVar:

NM_144997.7(FLCN):c.523A>T (p.Ile175Phe)

Gene: FLCN (folliculin; minus strand). Cytogenetic location: 17p11.2.
Variant type: single nucleotide variant.
Coding change: c.523A>T on transcript NM_144997.7 (MANE Select); coding-DNA position 523, A replaced by T.
Protein change: p.Ile175Phe; replaces isoleucine 175 with phenylalanine.
Molecular consequence: missense variant.
Genome position (GRCh38, 1-based): chr17:17,224,017, T>A on the plus strand (A>T on the coding strand, the complement: FLCN is on the minus strand). VCF-style: chr17-17224017-T-A. GRCh37 (hg19) VCF-style: chr17-17127331-T-A.
Other names: c.577A>T, p.Ile193Phe (NM_001353229.2); c.523A>T, p.Ile175Phe (NM_001353230.2, NM_001353231.2, NM_144606.7); short protein forms I175F, I193F.
Identifiers: ClinVar variation 1746275 (VCV001746275.6), dbSNP rs1410036494, ClinGen allele CA398534370.

ClinVar aggregate classification (germline): Uncertain significance. Review status: criteria provided, multiple submitters, no conflicts (2 of 4 stars). 3 submissions from 3 submitters: Uncertain significance (3). Last evaluated 2026-01-24.

Conditions:
Hereditary cancer-predisposing syndrome. Also called: Neoplastic Syndromes, Hereditary; Tumor predisposition; Hereditary Cancer Syndrome; Hereditary neoplastic syndrome. Identifiers: Orphanet 140162, MedGen C0027672, MeSH D009386, MONDO:0015356.
Colorectal cancer. Also called: Colorectal cancer, somatic; Malignant Colorectal Neoplasm. Identifiers: MedGen C0346629, MONDO:0005575, OMIM 114500.
Familial spontaneous pneumothorax (PSP). Identifiers: Orphanet 2903, MedGen C1868193, MONDO:0008259, OMIM 173600.
Nonpapillary renal cell carcinoma. Identifiers: Orphanet 422526, MedGen CN074294, MONDO:0007763, OMIM 144700.
Birt-Hogg-Dube syndrome 1 (BHD1). Also called: FIBROFOLLICULOMAS WITH TRICHODISCOMAS AND ACROCHORDONS. Identifiers: Orphanet 122, MedGen CN375946, MONDO:0800445, OMIM 135150.
Birt-Hogg-Dube syndrome. Also called: Birt Hogg Dubé syndrome. Identifiers: Orphanet 122, MedGen C0346010, MONDO:0800444.

Allele frequency attached by ClinVar (database versions not stated): TOPMed below 0.00001.

Submissions (3):

Labcorp Genetics (formerly Invitae), Labcorp
Classification: Uncertain significance for Birt-Hogg-Dube syndrome. Last evaluated: 2026-01-24. Review status: criteria provided, single submitter. Criteria: Invitae Variant Classification Sherloc (09022015). Collection method: clinical testing. Allele origin: germline.
Comment: This sequence change replaces isoleucine, which is neutral and non-polar, with phenylalanine, which is neutral and non-polar, at codon 175 of the FLCN protein (p.Ile175Phe). This variant is not present in population databases (gnomAD no frequency). This variant has not been reported in the literature in individuals affected with FLCN-related conditions. ClinVar contains an entry for this variant (Variation ID: 1746275). Invitae Evidence Modeling of protein sequence and biophysical properties (such as structural, functional, and spatial information, amino acid conservation, physicochemical variation, residue mobility, and thermodynamic stability) indicates that this missense variant is not expected to disrupt FLCN protein function with a negative predictive value of 80%. In summary, the available evidence is currently insufficient to determine the role of this variant in disease. Therefore, it has been classified as a Variant of Uncertain Significance.

Ambry Genetics
Classification: Uncertain significance for Hereditary cancer-predisposing syndrome. Last evaluated: 2025-03-26. Review status: criteria provided, single submitter. Criteria: Ambry Variant Classification Scheme 2023. Collection method: clinical testing. Allele origin: germline.
Comment: The p.I175F variant (also known as c.523A>T), located in coding exon 3 of the FLCN gene, results from an A to T substitution at nucleotide position 523. The isoleucine at codon 175 is replaced by phenylalanine, an amino acid with highly similar properties. This amino acid position is conserved. In addition, the in silico prediction for this alteration is inconclusive. Since supporting evidence is limited at this time, the clinical significance of this alteration remains unclear.

Fulgent Genetics
Classification: Uncertain significance for Colorectal cancer; Birt-Hogg-Dube syndrome 1; Nonpapillary renal cell carcinoma; Familial spontaneous pneumothorax. Last evaluated: 2024-05-15. Review status: criteria provided, single submitter. Criteria: ACMG Guidelines, 2015. Collection method: clinical testing. Allele origin: germline.